The following is an entry in ClinVar:

ClinVar aggregate classification (germline): Uncertain significance (1 of 4 stars; one submission).

Submission:

Ambry Genetics
Classification: Uncertain significance. Last evaluated: 2024-01-26. Review status: criteria provided, single submitter. Criteria: Ambry Variant Classification Scheme 2023. Collection method: clinical testing. Allele origin: germline.
Comment: The p.S628A variant (also known as c.1882T>G), located in coding exon 13 of the NPAT gene, results from a T to G substitution at nucleotide position 1882. The serine at codon 628 is replaced by alanine, an amino acid with similar properties. This amino acid position is conserved. In addition, this alteration is predicted to be tolerated by in silico analysis. Based on the available evidence, the clinical significance of this alteration remains unclear.

NM_002519.3(NPAT):c.1882T>G (p.Ser628Ala)

Gene: NPAT (nuclear protein, coactivator of histone transcription; minus strand). Cytogenetic location: 11q22.3.
Variant type: single nucleotide variant.
Coding change: c.1882T>G on transcript NM_002519.3 (MANE Select); coding-DNA position 1882, T replaced by G.
Protein change: p.Ser628Ala; replaces serine 628 with alanine.
Molecular consequence: missense variant.
Genome position (GRCh38, 1-based): chr11:108,173,102, A>C on the plus strand (T>G on the coding strand, the complement: NPAT is on the minus strand). VCF-style: chr11-108173102-A-C. GRCh37 (hg19) VCF-style: chr11-108043829-A-C.
Other names: c.1882T>G, p.Ser628Ala (NM_001321307.1); short protein forms S628A.
Identifiers: ClinVar variation 3222496 (VCV003222496.1), dbSNP rs1414685157, ClinGen allele CA382514149.